The following is an entry in ClinVar:

ClinVar aggregate classification (germline): Likely benign. Review status: criteria provided, single submitter (1 of 4 stars). 2 submissions from 2 submitters: Likely benign (1). 1 of the submissions does not count toward it. Last evaluated 2023-09-26.

Conditions:
TMEM67-related disorder. Also called: TMEM67-related condition; TMEM67-related disorders. Identifiers: MedGen CN239423.
Meckel-Gruber syndrome. Also called: Dysencephalia splachnocystica; DYSENCEPHALIA SPLANCHNOCYSTICA; GRUBER SYNDROME. Identifiers: Orphanet 564, MedGen C0265215, MONDO:0018921.
Joubert syndrome. Also called: JOUBERT-BOLTSHAUSER SYNDROME; Familial aplasia of the vermis. Identifiers: Orphanet 475, MedGen C5979921, MONDO:0018772.

Allele frequency attached by ClinVar (database versions not stated): gnomAD exomes below 0.00001.
gnomAD v4.1: 3 of 1,613,104 alleles (0.00019%); highest among the groups gnomAD compares: Non-Finnish European, 0.00025%; no homozygotes.

Submissions (2):

Labcorp Genetics (formerly Invitae), Labcorp
Classification: Likely benign for Joubert syndrome; Meckel-Gruber syndrome. Last evaluated: 2023-09-26. Review status: criteria provided, single submitter. Criteria: Invitae Variant Classification Sherloc (09022015). Collection method: clinical testing. Allele origin: germline.

PreventionGenetics, part of Exact Sciences
Classification: Likely benign for TMEM67-related condition. Last evaluated: 2024-09-25. Review status: no assertion criteria provided. Collection method: clinical testing. Allele origin: germline. Not counted in ClinVar's aggregate classification.
Comment: This variant is classified as likely benign based on ACMG/AMP sequence variant interpretation guidelines (Richards et al. 2015 PMID: 25741868, with internal and published modifications).

NM_153704.6(TMEM67):c.1412+10T>C

Gene: TMEM67 (transmembrane protein 67; plus strand). Cytogenetic location: 8q22.1.
Variant type: single nucleotide variant.
Coding change: c.1412+10T>C on transcript NM_153704.6 (MANE Select); 10 bases into the intron after coding-DNA position 1412, T replaced by C.
Molecular consequence: intron variant.
Genome position (GRCh38, 1-based): chr8:93,786,356, T>C. VCF-style: chr8-93786356-T-C. GRCh37 (hg19) VCF-style: chr8-94798584-T-C.
Other names: c.1412+10T>C (NM_153704.5); c.1169+10T>C (NM_001142301.1).
Identifiers: ClinVar variation 2924376 (VCV002924376.4), dbSNP rs2536864806, ClinGen allele CA2687920747.